The following is an entry in ClinVar:

ClinVar aggregate classification (germline): Uncertain significance (1 of 4 stars; one submission).

Conditions:
Hereditary cancer-predisposing syndrome. Also called: Neoplastic Syndromes, Hereditary; Tumor predisposition; Hereditary Cancer Syndrome; Hereditary neoplastic syndrome. Identifiers: Orphanet 140162, MedGen C0027672, MeSH D009386, MONDO:0015356.

Submission:

Ambry Genetics
Classification: Uncertain significance for Hereditary cancer-predisposing syndrome. Last evaluated: 2024-09-04. Review status: criteria provided, single submitter. Criteria: Ambry Variant Classification Scheme 2023. Collection method: clinical testing. Allele origin: germline.
Comment: The c.2392G>A variant (also known as p.G798S), located in coding exon 13 of the RET gene, results from a G to A substitution at nucleotide position 2392. The amino acid change results in glycine to serine at codon 798, an amino acid with similar properties. However, this change occurs in the last base pair of coding exon 13, which makes it likely to have some effect on normal mRNA splicing. This alteration was identified in an individual with Hirschsprung disease (Vaclavikova E et al. Pediatr Surg Int, 2012 Feb;28:123-8). This nucleotide position is highly conserved in available vertebrate species. This amino acid position is highly conserved in available vertebrate species. In silico splice site analysis predicts that this alteration will weaken the native splice donor site and will result in the creation or strengthening of a novel splice donor site. In addition, the in silico prediction for this alteration is inconclusive. Based on the available evidence, the clinical significance of this variant remains unclear.

Literature cited by the submitters: PubMed 21986619.

NM_020975.6(RET):c.2392G>A (p.Gly798Ser)

Gene: RET (ret proto-oncogene; plus strand). Cytogenetic location: 10q11.21.
Variant type: single nucleotide variant.
Coding change: c.2392G>A on transcript NM_020975.6 (MANE Select); coding-DNA position 2392, G replaced by A.
Protein change: p.Gly798Ser; replaces glycine 798 with serine.
Molecular consequence: missense variant.
Genome position (GRCh38, 1-based): chr10:43,118,480, G>A. VCF-style: chr10-43118480-G-A. GRCh37 (hg19) VCF-style: chr10-43613928-G-A.
Other names: c.943G>A, p.Gly315Ser (NM_001406794.1, NM_001406792.1, NM_001406793.1); c.2257G>A, p.Gly753Ser (NM_001406765.1, NM_001406763.1); c.2392G>A, p.Gly798Ser (NM_020630.7, NM_001406743.1, NM_001406744.1 and 2 more transcripts); c.2104G>A, p.Gly702Ser (NM_001406766.1, NM_001406767.1, NM_001406770.1); c.2128G>A, p.Gly710Ser (NM_001406768.1); c.1996G>A, p.Gly666Ser (NM_001406769.1, NM_001406772.1); c.1954G>A, p.Gly652Ser (NM_001406771.1, NM_001406773.1); c.1867G>A, p.Gly623Ser (NM_001406774.1); and 10 more; short protein forms G315S, G363S, G499S, G544S, G556S, G666S, G798S, G403S.
Identifiers: ClinVar variation 3432255 (VCV003432255.1).